The following is an entry in ClinVar:

NM_199420.4(POLQ):c.5213C>T (p.Thr1738Ile)

Gene: POLQ (DNA polymerase theta; minus strand). Cytogenetic location: 3q13.33.
Variant type: single nucleotide variant.
Coding change: c.5213C>T on transcript NM_199420.4 (MANE Select); coding-DNA position 5213, C replaced by T.
Protein change: p.Thr1738Ile; replaces threonine 1738 with isoleucine.
Molecular consequence: missense variant.
Genome position (GRCh38, 1-based): chr3:121,487,718, G>A on the plus strand (C>T on the coding strand, the complement: POLQ is on the minus strand). VCF-style: chr3-121487718-G-A. GRCh37 (hg19) VCF-style: chr3-121206565-G-A.
Other names: short protein forms T1738I.
Identifiers: ClinVar variation 1746121 (VCV001746121.2), dbSNP rs2546784952, ClinGen allele CA354090903.

ClinVar aggregate classification (germline): Uncertain significance (1 of 4 stars; one submission).

Allele frequency attached by ClinVar (database versions not stated): gnomAD exomes below 0.00001.
gnomAD v4.1: 1 of 1,613,794 alleles (0.000062%); highest among the groups gnomAD compares: Non-Finnish European, 0.000085%; no homozygotes.

Submission:

Ambry Genetics
Classification: Uncertain significance. Last evaluated: 2021-07-31. Review status: criteria provided, single submitter. Criteria: Ambry Variant Classification Scheme 2023. Collection method: clinical testing. Allele origin: germline.
Comment: The p.T1738I variant (also known as c.5213C>T), located in coding exon 16 of the POLQ gene, results from a C to T substitution at nucleotide position 5213. The threonine at codon 1738 is replaced by isoleucine, an amino acid with similar properties. This amino acid position is conserved. In addition, this alteration is predicted to be tolerated by in silico analysis. Since supporting evidence is limited at this time, the clinical significance of this alteration remains unclear.